The following is an entry in ClinVar:

NM_022124.6(CDH23):c.6689C>A (p.Ala2230Asp)

Gene: CDH23 (cadherin related 23; plus strand). Cytogenetic location: 10q22.1.
Variant type: single nucleotide variant.
Coding change: c.6689C>A on transcript NM_022124.6 (MANE Select); coding-DNA position 6689, C replaced by A.
Protein change: p.Ala2230Asp; replaces alanine 2230 with aspartic acid.
Molecular consequence: missense variant.
Genome position (GRCh38, 1-based): chr10:71,793,617, C>A. VCF-style: chr10-71793617-C-A. GRCh37 (hg19) VCF-style: chr10-73553374-C-A.
Other names: short protein forms A2230D.
Identifiers: ClinVar variation 1395036 (VCV001395036.5), dbSNP rs779637927, ClinGen allele CA5546151.

ClinVar aggregate classification (germline): Uncertain significance (1 of 4 stars; one submission).

gnomAD v4.1: 16 of 1,597,132 alleles (0.001%); highest among the groups gnomAD compares: South Asian, 0.015%; no homozygotes.

Submission:

Labcorp Genetics (formerly Invitae), Labcorp
Classification: Uncertain significance. Last evaluated: 2021-08-31. Review status: criteria provided, single submitter. Criteria: Invitae Variant Classification Sherloc (09022015). Collection method: clinical testing. Allele origin: germline.
Comment: This sequence change replaces alanine with aspartic acid at codon 2230 of the CDH23 protein (p.Ala2230Asp). The alanine residue is moderately conserved and there is a moderate physicochemical difference between alanine and aspartic acid. This variant is present in population databases (rs779637927, ExAC 0.01%). This variant has not been reported in the literature in individuals affected with CDH23-related conditions. Algorithms developed to predict the effect of missense changes on protein structure and function are either unavailable or do not agree on the potential impact of this missense change (SIFT: "Deleterious"; PolyPhen-2: "Not Available"; Align-GVGD: "Class C15"). In summary, the available evidence is currently insufficient to determine the role of this variant in disease. Therefore, it has been classified as a Variant of Uncertain Significance.